The following is an entry in ClinVar:

ClinVar aggregate classification (germline): Likely benign. Review status: criteria provided, single submitter (1 of 4 stars). 2 submissions from 1 submitter: Likely benign (2). Last evaluated 2018-01-13.

Conditions:
Susceptibility to mononeuropathy of the median nerve, mild. Also called: CARPAL TUNNEL SYNDROME, SUSCEPTIBILITY TO. Identifiers: MedGen C3150596, MONDO:0013237, OMIM 613353.
Charcot-Marie-Tooth disease type 4C (CMT4C). Also called: CHARCOT-MARIE-TOOTH DISEASE, DEMYELINATING, AUTOSOMAL RECESSIVE, TYPE 4C; CMT 4C; Charcot-Marie-Tooth Neuropathy Type 4C (CMT4C); CHARCOT-MARIE-TOOTH DISEASE, DEMYELINATING, TYPE 4C; SH3TC2-Related Hereditary Motor and Sensory Neuropathy. Identifiers: Orphanet 99949, MedGen C1866636, MONDO:0011113, OMIM 601596.

Allele frequency attached by ClinVar (database versions not stated): gnomAD 0.00001 and 0.00035; TOPMed 0.00007; 1000 Genomes Project 0.00300; 1000 Genomes Project 30x 0.00359.

Submissions (2):

Illumina Laboratory Services, Illumina
Classification: Likely benign for Charcot-Marie-Tooth disease type 4C. Last evaluated: 2018-01-13. Review status: criteria provided, single submitter. Criteria: ICSL Variant Classification Criteria 13 December 2019. Collection method: clinical testing. Allele origin: germline.
Comment: This variant was observed in the ICSL laboratory as part of a predisposition screen in an ostensibly healthy population. It had not been previously curated by ICSL or reported in the Human Gene Mutation Database (HGMD: prior to June 1st, 2018), and was therefore a candidate for classification through an automated scoring system. Utilizing variant allele frequency, disease prevalence and penetrance estimates, and inheritance mode, an automated score was calculated to assess if this variant is too frequent to cause the disease. Based on the score and internal cut-off values, a variant classified as likely benign is not then subjected to further curation. The score for this variant resulted in a classification of likely benign for this disease.

Illumina Laboratory Services, Illumina
Classification: Likely benign for Susceptibility to mononeuropathy of the median nerve, mild. Last evaluated: 2018-01-13. Review status: criteria provided, single submitter. Criteria: ICSL Variant Classification Criteria 13 December 2019. Collection method: clinical testing. Allele origin: germline.
Comment: the same text as in the submission from Illumina Laboratory Services, Illumina above.

NM_024577.4(SH3TC2):c.*2341A>G

Gene: SH3TC2 (SH3 domain and tetratricopeptide repeats 2; minus strand). Cytogenetic location: 5q32.
Variant type: single nucleotide variant.
Coding change: c.*2341A>G on transcript NM_024577.4 (MANE Select); 2341 bases downstream of the stop codon, A replaced by G.
Molecular consequence: 3 prime UTR variant.
Genome position (GRCh38, 1-based): chr5:149,002,370, T>C on the plus strand (A>G on the coding strand, the complement: SH3TC2 is on the minus strand). VCF-style: chr5-149002370-T-C. GRCh37 (hg19) VCF-style: chr5-148381933-T-C.
Identifiers: ClinVar variation 351857 (VCV000351857.5), dbSNP rs531168193, ClinGen allele CA10620720.